The following is an entry in ClinVar:

NM_001130438.3(SPTAN1):c.1294C>G (p.His432Asp)

Gene: SPTAN1 (spectrin alpha, non-erythrocytic 1; plus strand). Cytogenetic location: 9q34.11.
Variant type: single nucleotide variant.
Coding change: c.1294C>G on transcript NM_001130438.3 (MANE Select); coding-DNA position 1294, C replaced by G.
Protein change: p.His432Asp; replaces histidine 432 with aspartic acid.
Molecular consequence: missense variant.
Genome position (GRCh38, 1-based): chr9:128,579,709, C>G. VCF-style: chr9-128579709-C-G. GRCh37 (hg19) VCF-style: chr9-131341988-C-G.
Other names: c.1294C>G, p.His432Asp (NM_001195532.2, NM_001363759.2, NM_001363765.2 and 10 more transcripts); c.1330C>G, p.His444Asp (NM_001375312.2, NM_001375318.1, NM_001438440.1); short protein forms H432D, H444D.
Identifiers: ClinVar variation 4801842 (VCV004801842.1).
Genomic context (GRCh38, chr9:128,579,709, plus strand): 5'-GCCCATGAAGACAGCTTCAAATCTGCAGATGAATCTGGACAGGCACTGCTTGCTGCTGGT[C>G]ACTATGCCTCAGATGAAGTGAGGGAGAAGGTAAGAGAAGAGAAATGGAGCTTTTGAGGAG-3'
Protein context (NP_001123910.1, residues 422-442): ESGQALLAAG[His432Asp]YASDEVREKL

ClinVar aggregate classification (germline): Uncertain significance (1 of 4 stars; one submission).

Conditions:
Early-infantile DEE. Also called: Early infantile epileptic encephalopathy; Early infantile epileptic encephalopathy with suppression bursts; Ohtahara syndrome. Identifiers: Orphanet 1934, MedGen C0393706, MONDO:0800491.

Submission:

Labcorp Genetics (formerly Invitae), Labcorp
Classification: Uncertain significance for Early-infantile DEE. Last evaluated: 2025-11-08. Review status: criteria provided, single submitter. Criteria: Invitae Variant Classification Sherloc (09022015). Collection method: clinical testing. Allele origin: germline.
Comment: This sequence change replaces histidine, which is basic and polar, with aspartic acid, which is acidic and polar, at codon 432 of the SPTAN1 protein (p.His432Asp). This variant is not present in population databases (gnomAD no frequency). This variant has not been reported in the literature in individuals affected with SPTAN1-related conditions. Invitae Evidence Modeling of protein sequence and biophysical properties (such as structural, functional, and spatial information, amino acid conservation, physicochemical variation, residue mobility, and thermodynamic stability) has been performed for this missense variant. However, the output from this modeling did not meet the statistical confidence thresholds required to predict the impact of this variant on SPTAN1 protein function. In summary, the available evidence is currently insufficient to determine the role of this variant in disease. Therefore, it has been classified as a Variant of Uncertain Significance.